The following is an entry in ClinVar:

NM_006766.5(KAT6A):c.2463C>A (p.Asn821Lys)

Gene: KAT6A (lysine acetyltransferase 6A; minus strand). Cytogenetic location: 8p11.21.
Variant type: single nucleotide variant.
Coding change: c.2463C>A on transcript NM_006766.5 (MANE Select); coding-DNA position 2463, C replaced by A.
Protein change: p.Asn821Lys; replaces asparagine 821 with lysine.
Molecular consequence: missense variant.
Genome position (GRCh38, 1-based): chr8:41,941,418, G>T on the plus strand (C>A on the coding strand, the complement: KAT6A is on the minus strand). VCF-style: chr8-41941418-G-T. GRCh37 (hg19) VCF-style: chr8-41798936-G-T.
Other names: short protein forms N821K.
Identifiers: ClinVar variation 2994808 (VCV002994808.3), dbSNP rs1365625475, ClinGen allele CA371072372.
Genomic context (GRCh38, chr8:41,941,418, plus strand): 5'-GACTGGAGCCATAACTTCTGGTTTCTTTTCACTTTCTACTGAATAAGAATCTTGTTCTTT[G>T]TTCTCATGAGACACAGACTTTCCCACCTGATTTTAGAAAATAAAACAATGCTGGTTAATT-3'
Protein context (NP_006757.2, residues 811-831): ISVGKSVSHE[Asn821Lys]KEQDSYSVES

ClinVar aggregate classification (germline): Uncertain significance (1 of 4 stars; one submission).

Allele frequency attached by ClinVar (database versions not stated): gnomAD 0.00001; TOPMed 0.00001.
gnomAD v4.1: 6 of 1,601,342 alleles (0.00037%); highest among the groups gnomAD compares: Non-Finnish European, 0.00051%; no homozygotes.

Submission:

Labcorp Genetics (formerly Invitae), Labcorp
Classification: Uncertain significance. Last evaluated: 2025-07-14. Review status: criteria provided, single submitter. Criteria: Invitae Variant Classification Sherloc (09022015). Collection method: clinical testing. Allele origin: germline.
Comment: This sequence change replaces asparagine, which is neutral and polar, with lysine, which is basic and polar, at codon 821 of the KAT6A protein (p.Asn821Lys). This variant is not present in population databases (gnomAD no frequency). This variant has not been reported in the literature in individuals affected with KAT6A-related conditions. ClinVar contains an entry for this variant (Variation ID: 2994808). Invitae Evidence Modeling of protein sequence and biophysical properties (such as structural, functional, and spatial information, amino acid conservation, physicochemical variation, residue mobility, and thermodynamic stability) indicates that this missense variant is not expected to disrupt KAT6A protein function with a negative predictive value of 95%. In summary, the available evidence is currently insufficient to determine the role of this variant in disease. Therefore, it has been classified as a Variant of Uncertain Significance.